The following is an entry in ClinVar:

NM_017570.5(OPLAH):c.874G>A (p.Gly292Ser)

Gene: OPLAH (5-oxoprolinase, ATP-hydrolysing; minus strand). Cytogenetic location: 8q24.3.
Variant type: single nucleotide variant.
Coding change: c.874G>A on transcript NM_017570.5 (MANE Select); coding-DNA position 874, G replaced by A.
Protein change: p.Gly292Ser; replaces glycine 292 with serine.
Molecular consequence: missense variant.
Genome position (GRCh38, 1-based): chr8:144,058,314, C>T on the plus strand (G>A on the coding strand, the complement: OPLAH is on the minus strand). VCF-style: chr8-144058314-C-T. GRCh37 (hg19) VCF-style: chr8-145113217-C-T.
Other names: c.874G>A (NM_017570.3); short protein forms G292S.
Identifiers: ClinVar variation 2195613 (VCV002195613.2), dbSNP rs529467010, ClinGen allele CA4932115.

ClinVar aggregate classification (germline): Uncertain significance. Review status: criteria provided, multiple submitters, no conflicts (2 of 4 stars). 2 submissions from 2 submitters: Uncertain significance (2). Last evaluated 2025-08-30.

Conditions:
5-Oxoprolinase deficiency (OPLAHD). Also called: 5-OXOPROLINURIA DUE TO 5-OXOPROLINASE DEFICIENCY. Identifiers: Orphanet 33572, MedGen C0268525, MONDO:0009825, OMIM 260005, HP:0040142.

Allele frequency attached by ClinVar (database versions not stated): gnomAD 0.00001; gnomAD exomes 0.00003; TOPMed 0.00003; ExAC 0.00009; 1000 Genomes Project 30x 0.00031; 1000 Genomes Project 0.00040.
gnomAD v4.1: 46 of 1,603,448 alleles (0.0029%); highest among the groups gnomAD compares: Admixed American, 0.022%; no homozygotes.

Submissions (2):

Ambry Genetics
Classification: Uncertain significance. Last evaluated: 2025-08-30. Review status: criteria provided, single submitter. Criteria: Ambry Variant Classification Scheme 2023. Collection method: clinical testing. Allele origin: germline.

Labcorp Genetics (formerly Invitae), Labcorp
Classification: Uncertain significance for 5-Oxoprolinase deficiency. Last evaluated: 2022-07-30. Review status: criteria provided, single submitter. Criteria: Invitae Variant Classification Sherloc (09022015). Collection method: clinical testing. Allele origin: germline.
Comment: This sequence change replaces glycine, which is neutral and non-polar, with serine, which is neutral and polar, at codon 292 of the OPLAH protein (p.Gly292Ser). This variant is present in population databases (rs529467010, gnomAD 0.04%). This variant has not been reported in the literature in individuals affected with OPLAH-related conditions. Algorithms developed to predict the effect of missense changes on protein structure and function are either unavailable or do not agree on the potential impact of this missense change (SIFT: "Not Available"; PolyPhen-2: "Probably Damaging"; Align-GVGD: "Not Available"). In summary, the available evidence is currently insufficient to determine the role of this variant in disease. Therefore, it has been classified as a Variant of Uncertain Significance.